The following is an entry in ClinVar:

ClinVar aggregate classification (germline): Pathogenic/Likely pathogenic. Review status: criteria provided, multiple submitters, no conflicts (2 of 4 stars). 6 submissions from 6 submitters: Pathogenic (1); Likely pathogenic (4). 1 of the submissions does not count toward it. Last evaluated 2024-05-14.

Conditions:
Retinitis pigmentosa (RP). Identifiers: Orphanet 791, MedGen C0035334, MeSH D012174, MONDO:0019200, OMIM 268000. Inheritance: Autosomal dominant, autosomal recessive and X linked inheritance.
IFT140-related disorders.
Saldino-Mainzer syndrome (SRTD9). Also called: short-rib thoracic dysplasia 9 with or without polydactyly; SHORT-RIB THORACIC DYSPLASIA 9 WITHOUT POLYDACTYLY; CONORENAL SYNDROME; Renal dysplasia, retinal pigmentary dystrophy, cerebellar ataxia and skeletal dysplasia. Identifiers: Orphanet 140969, MedGen C1849437, MONDO:0009964, OMIM 266920.
Retinitis pigmentosa 80 (RP80). Identifiers: MedGen C4540439, MONDO:0054708, OMIM 617781.

Allele frequency attached by ClinVar (database versions not stated): gnomAD exomes below 0.00001; TOPMed below 0.00001.
gnomAD v4.1: 2 of 1,500,946 alleles (0.00013%); highest among the groups gnomAD compares: Non-Finnish European, 0.00018%; no homozygotes.

Submissions (6):

Fulgent Genetics
Classification: Likely pathogenic for Saldino-Mainzer syndrome; Retinitis pigmentosa 80. Last evaluated: 2024-05-14. Review status: criteria provided, single submitter. Criteria: ACMG Guidelines, 2015. Collection method: clinical testing. Allele origin: germline.

Victorian Clinical Genetics Services, Murdoch Childrens Research Institute
Classification: Likely pathogenic for Saldino-Mainzer syndrome. Last evaluated: 2023-07-17. Review status: criteria provided, single submitter. Criteria: ACMG Guidelines, 2015. Collection method: clinical testing. Allele origin: germline. Inheritance: Autosomal recessive inheritance. Affected: yes.
Comment: Based on the classification scheme VCGS_Germline_v1.3.4, this variant is classified as Likely pathogenic. Following criteria are met: 0102 - Loss of function is a known mechanism of disease in this gene and is associated with retinitis pigmentosa 80 (MIM#617781), short-rib thoracic dysplasia 9 with or without polydactyly (MIM#266920) and cystic kidney disease (MONDO#0002473) (PMID: 34890546). (I) 0108 - This gene is associated with both recessive and dominant disease. Retinitis pigmentosa 80 (MIM#617781) and short-rib thoracic dysplasia 9 with or without polydactyly (MIM#266920) are inherited in an autosomal recessive manner, while cystic kidney disease (MONDO#0002473), IFT140-related is inherited in an autosomal dominant manner (OMIM, PMID: 34890546) . (I) 0210 - Splice site variant proven to affect splicing of the transcript with a known effect on protein sequence. RNA studies have shown that this variant creates a novel donor splice site in intron 20 which leads to the incorporation of 21 additional base pairs. This is predicted to result in the in frame incorporation of seven amino acids to the protein sequence (PMID: 29688594). (SP) 0251 - This variant is heterozygous. (I) 0301 - Variant is absent from gnomAD (both v2 and v3). (SP) 0705 - No comparable splice or in frame insertion variants have previous evidence for pathogenicity. (I) 0803 - This variant has limited previous evidence of pathogenicity in unrelated individuals. This variant has been classified as likely pathogenic by a clinical laboratory in ClinVar, and has been observed as compound heterozygous with an exon 27-30 duplication in two siblings with a Bardet-Biedl like phenotype (PMID: 29688594). (SP) 1010 - Functional evidence for this variant is inconclusive. Immunofluorescence studies in patient cells have shown that this variant leads to a significant decrease in cilium formation and the mislocalisation of IFT140 protein (PMID: 29688594). However, as the patients were compound heterozygous for this and another IFT140 variant the contribution of this variant alone cannot be determined from this study. (SP) 1201 - Heterozygous variant detected in trans with a pathogenic heterozygous variant (NM_014714.3(IFT140):c.1565G>A; p.(Gly522Glu)) in a recessive disease. (I) Legend: (SP) - Supporting pathogenic, (I) - Information, (SB) - Supporting benign

Women's Health and Genetics/Laboratory Corporation of America, LabCorp
Classification: Likely pathogenic for Retinitis pigmentosa. Last evaluated: 2021-10-22. Review status: criteria provided, single submitter. Criteria: LabCorp Variant Classification Summary - May 2015. Collection method: clinical testing. Allele origin: germline.
Comment: Variant summary: IFT140 c.2577+25G>A is located at a position not widely known to affect splicing. Several computational tools predict a significant impact on normal splicing: One predict the variant weakens a 5' donor site. Three predict the variant strengthens a cryptic 5' donor site. One predict the variant creates a 5' donor site. Patient RNA analysis confirmed that a novel donor splice site within the intron 20 resulted in the incorporation of 21 additional base pairs (r.2577_2578insGTGAGGGGCGCCCGCCATGGG) that are predicted to add seven new amino acids to the protein sequence (p.Leu859_Glu860insValArgGlyAlaArgHisGly; Geoffroy_2018). The variant was absent in 125168 control chromosomes. c.2577+25G>A has been reported in the literature in two siblings affected with retinitis pigmentosa, short stature, brachydactyly, moderate renal failure and overweight (Geoffroy_2018). In this same study, functional analysis on the patients cells further revealed a reduced level of ciliated cells and mislocalization of the IFT140 mutant away from the cilia base. One clinical diagnostic laboratory has submitted clinical-significance assessments for this variant to ClinVar after 2014 without evidence for independent evaluation. One laboratory classified the variant as pathogenic. Based on the evidence outlined above, the variant was classified as likely pathogenic.

Blueprint Genetics
Classification: Likely pathogenic for IFT140-related disorders. Last evaluated: 2019-11-20. Review status: criteria provided, single submitter. Criteria: ACMG Guidelines, 2015. Collection method: clinical testing. Allele origin: germline. Affected: yes. Observed: 1 variant allele.

Laboratory of Medical Genetics (UMR_S 1112), INSERM/Strasbourg University
Classification: Pathogenic for Renal dysplasia, retinal pigmentary dystrophy, cerebellar ataxia and skeletal dysplasia. Last evaluated: 2018-01-01. Review status: criteria provided, single submitter. Criteria: Geoffroy et al. (Hum Mutat. 2018). Collection method: research. Allele origin: inherited. Inheritance: Autosomal recessive inheritance. Affected: yes. Observed: 1 variant allele, 1 compound heterozygote.

OMIM
Classification: Pathogenic for SHORT-RIB THORACIC DYSPLASIA 9 WITHOUT POLYDACTYLY. Last evaluated: 2025-04-18. Review status: no assertion criteria provided. Collection method: literature only. Allele origin: germline. Not counted in ClinVar's aggregate classification.

Literature cited by the submitters: PubMed 29688594 (cited by 3 submitters); PubMed 34890546 (cited by Victorian Clinical Genetics Services, Murdoch Childrens Research Institute).

NM_014714.4(IFT140):c.2577+25G>A

Gene: IFT140 (intraflagellar transport 140; minus strand). Cytogenetic location: 16p13.3.
Variant type: single nucleotide variant.
Coding change: c.2577+25G>A on transcript NM_014714.4 (MANE Select); 25 bases into the intron after coding-DNA position 2577, G replaced by A.
Molecular consequence: intron variant.
Genome position (GRCh38, 1-based): chr16:1,526,594, C>T on the plus strand (G>A on the coding strand, the complement: IFT140 is on the minus strand). VCF-style: chr16-1526594-C-T. GRCh37 (hg19) VCF-style: chr16-1576595-C-T.
Other names: IVS20, G-A, +25.
Identifiers: ClinVar variation 523178 (VCV000523178.8), dbSNP rs1423102192, ClinGen allele CA658798460.